The following is an entry in ClinVar:

NM_145868.2(ANXA11):c.992_995delinsTCGAAGCC (p.Ser331fs)

Gene: ANXA11 (annexin A11; minus strand). Cytogenetic location: 10q22.3.
Variant type: Indel.
Coding change: c.992_995delinsTCGAAGCC on transcript NM_145868.2 (MANE Select); coding-DNA positions 992 to 995, CAGG replaced by TCGAAGCC.
Protein change: p.Ser331fs; shifts the reading frame from serine 331.
Molecular consequence: frameshift variant.
Genome position (GRCh38, 1-based): chr10:80,163,568-80,163,571, CCTG replaced by GGCTTCGA on the plus strand (CAGG replaced by TCGAAGCC on the coding strand, the reverse complement: ANXA11 is on the minus strand). VCF-style: chr10-80163568-CCTG-GGCTTCGA. GRCh37 (hg19) VCF-style: chr10-81923324-CCTG-GGCTTCGA.
Other names: c.992_995delinsTCGAAGCC, p.Ser331fs (NM_001157.3, NM_001278407.2, NM_001278408.2 and 1 more transcripts); c.893_896delinsTCGAAGCC, p.Ser298fs (NM_001278409.2); short protein forms S298fs, S331fs.
Identifiers: ClinVar variation 2052399 (VCV002052399.4), dbSNP rs2492092144, ClinGen allele CA2580082040.

ClinVar aggregate classification (germline): Uncertain significance (1 of 4 stars; one submission).

Submission:

Labcorp Genetics (formerly Invitae), Labcorp
Classification: Uncertain significance. Last evaluated: 2021-12-21. Review status: criteria provided, single submitter. Criteria: Invitae Variant Classification Sherloc (09022015). Collection method: clinical testing. Allele origin: germline.
Comment: In summary, the available evidence is currently insufficient to determine the role of this variant in disease. Therefore, it has been classified as a Variant of Uncertain Significance. This variant has not been reported in the literature in individuals affected with ANXA11-related conditions. This variant is not present in population databases (gnomAD no frequency). This sequence change creates a premature translational stop signal (p.Ser331Phefs*18) in the ANXA11 gene. It is expected to result in an absent or disrupted protein product. However, the current clinical and genetic evidence is not sufficient to establish whether loss-of-function variants in ANXA11 cause disease.